The following is an entry in ClinVar:

ClinVar aggregate classification (germline): Benign. Review status: criteria provided, multiple submitters, no conflicts (2 of 4 stars). 2 submissions from 2 submitters: Benign (2). Last evaluated 2018-05-12.

Allele frequency attached by ClinVar (database versions not stated): ESP Exome Variant Server 0.00026; gnomAD exomes 0.00163 and 0.00769; ExAC 0.00273; gnomAD 0.00302 and 0.00311; 1000 Genomes Project 0.00419; TOPMed 0.00448; 1000 Genomes Project 30x 0.00453.

Submissions (2):

GeneDx
Classification: Benign. Last evaluated: 2018-05-12. Review status: criteria provided, single submitter. Criteria: GeneDx Variant Classification (06012015). Collection method: clinical testing. Allele origin: germline. Affected: yes.
Comment: This variant is considered likely benign or benign based on one or more of the following criteria: it is a conservative change, it occurs at a poorly conserved position in the protein, it is predicted to be benign by multiple in silico algorithms, and/or has population frequency not consistent with disease.

Breakthrough Genomics
Classification: Benign. Review status: criteria provided, single submitter. Criteria: ACMG Guidelines, 2015. Collection method: not provided. Allele origin: germline. Inheritance: Unknown mechanism. Affected: yes.

NM_173627.5(ENDOV):c.421C>T (p.His141Tyr)

Gene: ENDOV (endonuclease V; plus strand). Cytogenetic location: 17q25.3.
Variant type: single nucleotide variant.
Coding change: c.421C>T on transcript NM_173627.5 (MANE Select); coding-DNA position 421, C replaced by T.
Protein change: p.His141Tyr; replaces histidine 141 with tyrosine.
Molecular consequence: missense variant. On other transcripts: non-coding transcript variant (5).
Genome position (GRCh38, 1-based): chr17:80,423,537, C>T. VCF-style: chr17-80423537-C-T. GRCh37 (hg19) VCF-style: chr17-78397337-C-T.
Other names: c.286C>T, p.His96Tyr (NM_001164637.3, NM_001164638.3); c.421C>T, p.His141Tyr (NM_001352760.3, NM_001352761.3); short protein forms H96Y, H141Y.
Identifiers: ClinVar variation 668760 (VCV000668760.2), dbSNP rs41299812, ClinGen allele CA8823724.